The following is an entry in ClinVar:

ClinVar aggregate classification (germline): Uncertain significance. Review status: criteria provided, multiple submitters, no conflicts (2 of 4 stars). 4 submissions from 4 submitters: Uncertain significance (4). Last evaluated 2025-10-07.

Conditions:
Cardiovascular phenotype. Identifiers: MedGen CN230736.
Dilated cardiomyopathy 1Z (CMD1Z). Identifiers: Orphanet 154, MedGen C2678475, MONDO:0012745, OMIM 611879.
Hypertrophic cardiomyopathy 13. Also called: TNNC1-Related Familial Hypertrophic Cardiomyopathy. Identifiers: MedGen C2750472, MONDO:0013195, OMIM 613243.

Allele frequency attached by ClinVar (database versions not stated): gnomAD exomes 0.00003 and 0.00001; ESP Exome Variant Server 0.00008; ExAC 0.00001; gnomAD 0.00001; TOPMed 0.00002.

Submissions (4):

Labcorp Genetics (formerly Invitae), Labcorp
Classification: Uncertain significance for Hypertrophic cardiomyopathy 13; Dilated cardiomyopathy 1Z. Last evaluated: 2025-10-07. Review status: criteria provided, single submitter. Criteria: Invitae Variant Classification Sherloc (09022015). Collection method: clinical testing. Allele origin: germline.
Comment: This sequence change replaces arginine, which is basic and polar, with cysteine, which is neutral and slightly polar, at codon 102 of the TNNC1 protein (p.Arg102Cys). This variant is present in population databases (rs370103102, gnomAD 0.02%). This missense change has been observed in individual(s) with TNNC1-related conditions (PMID: 30188508, 31983221, 33658040, 36178741, 37652022). ClinVar contains an entry for this variant (Variation ID: 181565). An algorithm developed to predict the effect of missense changes on protein structure and function (PolyPhen-2) suggests that this variant is likely to be tolerated. In summary, the available evidence is currently insufficient to determine the role of this variant in disease. Therefore, it has been classified as a Variant of Uncertain Significance.

Ambry Genetics
Classification: Uncertain significance for Cardiovascular phenotype. Last evaluated: 2025-10-05. Review status: criteria provided, single submitter. Criteria: Ambry Variant Classification Scheme 2023. Collection method: clinical testing. Allele origin: germline.
Comment: The p.R102C variant (also known as c.304C>T), located in coding exon 4 of the TNNC1 gene, results from a C to T substitution at nucleotide position 304. The arginine at codon 102 is replaced by cysteine, an amino acid with highly dissimilar properties. This variant has been detected in individuals with dilated cardiomyopathy, left ventricular noncompaction cardiomyopathy, and hypertrophic cardiomyopathy; however, in several cases, other variants in cardiac-related genes were also detected (Herkert JC et al. Genet Med, 2018 Nov;20:1374-1386; Takasaki A et al. Pediatr Res, 2018 Nov;84:733-742; Mazzarotto F et al. Circulation, 2020 Feb;141:387-398;Chung H et al. J Cardiovasc Magn Reson, 2021 Mar;23:18). This amino acid position is highly conserved in available vertebrate species. In addition, this alteration is predicted to be deleterious by in silico analysis. Since supporting evidence is limited at this time, the clinical significance of this alteration remains unclear.

Fulgent Genetics
Classification: Uncertain significance for Dilated cardiomyopathy 1Z; Hypertrophic cardiomyopathy 13. Last evaluated: 2021-09-08. Review status: criteria provided, single submitter. Criteria: ACMG Guidelines, 2015. Collection method: clinical testing. Allele origin: unknown.

GeneDx
Classification: Uncertain significance. Last evaluated: 2020-12-30. Review status: criteria provided, single submitter. Criteria: GeneDx Variant Classification Process June 2021. Collection method: clinical testing. Allele origin: germline. Affected: yes.
Comment: Not observed at a significant frequency in large population cohorts (Lek et al., 2016); In silico analysis supports that this missense variant has a deleterious effect on protein structure/function; Identified in individuals with left ventricular noncompaction and dilated cardiomyopathy, however, additional clinical and segregation information were not provided (Takasaki et al., 2018; Mazzarotto et al., 2020); This variant is associated with the following publications: (PMID: 33179204, 30188508, 26341255, 31983221)

Literature cited by the submitters: PubMed 30188508 (cited by Labcorp Genetics (formerly Invitae), Labcorp and Ambry Genetics); PubMed 31983221 (cited by Labcorp Genetics (formerly Invitae), Labcorp and Ambry Genetics); PubMed 33658040 (cited by Labcorp Genetics (formerly Invitae), Labcorp and Ambry Genetics); PubMed 36178741 (cited by Labcorp Genetics (formerly Invitae), Labcorp); PubMed 37652022 (cited by Labcorp Genetics (formerly Invitae), Labcorp); PubMed 29517769 (cited by Ambry Genetics).

NM_003280.3(TNNC1):c.304C>T (p.Arg102Cys)

Gene: TNNC1 (troponin C1, slow skeletal and cardiac type; minus strand). Cytogenetic location: 3p21.1.
Variant type: single nucleotide variant.
Coding change: c.304C>T on transcript NM_003280.3 (MANE Select); coding-DNA position 304, C replaced by T.
Protein change: p.Arg102Cys; replaces arginine 102 with cysteine.
Molecular consequence: missense variant.
Genome position (GRCh38, 1-based): chr3:52,451,757, G>A on the plus strand (C>T on the coding strand, the complement: TNNC1 is on the minus strand). VCF-style: chr3-52451757-G-A. GRCh37 (hg19) VCF-style: chr3-52485773-G-A.
Other names: p.R102C:CGC>TGC; c.304C>T (LRG_378t1); short protein forms R102C.
Identifiers: ClinVar variation 181565 (VCV000181565.13), dbSNP rs370103102, ClinGen allele CA297322.